The following is an entry in ClinVar:

NM_001355436.2(SPTB):c.4880del (p.Leu1627fs)

Gene: SPTB (spectrin beta, erythrocytic; minus strand). Cytogenetic location: 14q23.3.
Variant type: Deletion.
Coding change: c.4880del on transcript NM_001355436.2 (MANE Select); coding-DNA position 4880, one base deleted (T; older notation c.4880delT).
Protein change: p.Leu1627fs; shifts the reading frame from leucine 1627.
Molecular consequence: frameshift variant.
Genome position (GRCh38, 1-based): chr14:64,774,490, A deleted on the plus strand (T on the coding strand, the reverse complement: SPTB is on the minus strand); the first of 3 consecutive A bases (chr14:64,774,490-64,774,492); deleting any one gives the same sequence. VCF-style (leftmost placement, unchanged base first): chr14-64774489-CA-C. GRCh37 (hg19) VCF-style: chr14-65241207-CA-C.
Other names: c.4880del, p.Leu1627fs (NM_001024858.4, NM_001355437.2); short protein forms L1627fs.
Identifiers: ClinVar variation 3662866 (VCV003662866.2).
Genomic context (GRCh38, chr14:64,774,489, plus strand): 5'-GGCCCGGCTGGCCAGCTGCTTGATGTTCCGGCCGTAGTCCTCCACCGCACGCTGCTGCCG[CA>C]AATGTCGCTTCAGCATCACAATGGCGCCCTCTTCATCCTAGGAGGCAGCAGACGGTCAGC-3'

ClinVar aggregate classification (germline): Pathogenic (1 of 4 stars; one submission).

Submission:

Labcorp Genetics (formerly Invitae), Labcorp
Classification: Pathogenic. Last evaluated: 2024-08-31. Review status: criteria provided, single submitter. Criteria: Invitae Variant Classification Sherloc (09022015). Collection method: clinical testing. Allele origin: germline.
Comment: This sequence change creates a premature translational stop signal (p.Leu1627Cysfs*49) in the SPTB gene. It is expected to result in an absent or disrupted protein product. Loss-of-function variants in SPTB are known to be pathogenic (PMID: 1391962, 1498324, 8844207, 26830532, 27292444). This variant is not present in population databases (gnomAD no frequency). This variant has not been reported in the literature in individuals affected with SPTB-related conditions. For these reasons, this variant has been classified as Pathogenic.

Literature cited by the submitters: PubMed 1391962; PubMed 1498324; PubMed 8844207; PubMed 26830532; PubMed 27292444.